The following is an entry in ClinVar:

ClinVar aggregate classification (germline): Pathogenic. Review status: criteria provided, multiple submitters, no conflicts (2 of 4 stars). 2 submissions from 2 submitters: Pathogenic (2). Last evaluated 2025-03-10.

Conditions:
Heterotopia, periventricular, X-linked dominant (PVNH1). Also called: PERIVENTRICULAR NODULAR HETEROTOPIA 1; X-linked periventricular heterotopia; PERIVENTRICULAR NODULAR HETEROTOPIA 4; HETEROTOPIA, PERIVENTRICULAR, 1. Identifiers: Orphanet 2149, Orphanet 82004, MedGen C1848213, MONDO:0010233, OMIM 300049.
FLNA-related disorder.

Submissions (2):

PreventionGenetics, part of Exact Sciences
Classification: Pathogenic for FLNA-related condition. Last evaluated: 2025-03-10. Review status: criteria provided, single submitter. Criteria: ACMG Guidelines, 2015. Collection method: clinical testing. Allele origin: germline.
Comment: The FLNA c.7021C>T variant is predicted to result in premature protein termination (p.Gln2341*). This variant has not been reported in a large population database (gnomAD), indicating this variant is rare. Nonsense variants in FLNA are expected to be pathogenic. This variant is interpreted as pathogenic.

Institute of Human Genetics Munich, TUM University Hospital
Classification: Pathogenic for Heterotopia, periventricular, X-linked dominant. Last evaluated: 2020-01-09. Review status: criteria provided, single submitter. Criteria: Classification criteria August 2017. Collection method: clinical testing. Allele origin: germline. Inheritance: X-linked inheritance. Affected: yes. Observed: 1 hemizygote.

NM_001110556.2(FLNA):c.7021C>T (p.Gln2341Ter)

Gene: FLNA (filamin A; minus strand). Cytogenetic location: Xq28.
Variant type: single nucleotide variant.
Coding change: c.7021C>T on transcript NM_001110556.2 (MANE Select); coding-DNA position 7021, C replaced by T.
Protein change: p.Gln2341Ter; replaces glutamine 2341 with a stop codon.
Molecular consequence: nonsense.
Genome position (GRCh38, 1-based): chrX:154,351,583, G>A on the plus strand (C>T on the coding strand, the complement: FLNA is on the minus strand). VCF-style: chrX-154351583-G-A. GRCh37 (hg19) VCF-style: chrX-153579951-G-A.
Other names: c.7021C>T (NM_001110556.1); c.6997C>T, p.Gln2333Ter (NM_001456.4); short protein forms Q2341*, Q2333*.
Identifiers: ClinVar variation 807601 (VCV000807601.4), dbSNP rs1603358919, ClinGen allele CA415185460.